The following is an entry in ClinVar:

ClinVar aggregate classification (germline): Uncertain significance. Review status: criteria provided, multiple submitters, no conflicts (2 of 4 stars). 3 submissions from 3 submitters: Uncertain significance (3). Last evaluated 2026-05-10.

Conditions:
GSN-related disorder. Also called: GSN-related condition.
Inborn genetic diseases. Identifiers: MedGen C0950123, MeSH D030342.

gnomAD v4.1: 22 of 1,614,116 alleles (0.0014%); highest among the groups gnomAD compares: Admixed American, 0.0083%; no homozygotes.

Submissions (3):

PreventionGenetics, part of Exact Sciences
Classification: Uncertain significance for GSN-related condition. Last evaluated: 2026-05-10. Review status: criteria provided, single submitter. Criteria: ACMG Guidelines, 2015. Collection method: clinical testing. Allele origin: germline.
Comment: The GSN c.229G>A variant is predicted to result in the amino acid substitution p.Asp77Asn. To our knowledge, this variant has not been reported in the literature. This variant is reported in 0.011% of alleles in individuals of Latino descent in gnomAD. At this time, the clinical significance of this variant is uncertain due to the absence of conclusive functional and genetic evidence.

Labcorp Genetics (formerly Invitae), Labcorp
Classification: Uncertain significance. Last evaluated: 2024-10-29. Review status: criteria provided, single submitter. Criteria: Invitae Variant Classification Sherloc (09022015). Collection method: clinical testing. Allele origin: germline.
Comment: This sequence change replaces aspartic acid, which is acidic and polar, with asparagine, which is neutral and polar, at codon 77 of the GSN protein (p.Asp77Asn). This variant is present in population databases (rs752677417, gnomAD 0.01%). This variant has not been reported in the literature in individuals affected with GSN-related conditions. ClinVar contains an entry for this variant (Variation ID: 1445833). An algorithm developed to predict the effect of missense changes on protein structure and function (PolyPhen-2) suggests that this variant is likely to be tolerated. In summary, the available evidence is currently insufficient to determine the role of this variant in disease. Therefore, it has been classified as a Variant of Uncertain Significance.

Ambry Genetics
Classification: Uncertain significance for Inborn genetic diseases. Last evaluated: 2022-10-18. Review status: criteria provided, single submitter. Criteria: Ambry Variant Classification Scheme 2023. Collection method: clinical testing. Allele origin: germline.

NM_198252.3(GSN):c.76G>A (p.Asp26Asn)

Gene: GSN (gelsolin; plus strand). Cytogenetic location: 9q33.2.
Variant type: single nucleotide variant.
Coding change: c.76G>A on transcript NM_198252.3 (MANE Select); coding-DNA position 76, G replaced by A.
Protein change: p.Asp26Asn; replaces aspartic acid 26 with asparagine.
Molecular consequence: missense variant. On other transcripts: intron variant (1).
Genome position (GRCh38, 1-based): chr9:121,302,047, G>A. VCF-style: chr9-121302047-G-A. GRCh37 (hg19) VCF-style: chr9-124064325-G-A.
Other names: c.229G>A (NM_000177.4); c.229G>A, p.Asp77Asn (NM_000177.5); c.76G>A, p.Asp26Asn (NM_001127662.2, NM_001127664.2, NM_001127665.2 and 10 more transcripts); c.184G>A, p.Asp62Asn (NM_001127663.2); c.109G>A, p.Asp37Asn (NM_001127666.2, NM_001127667.2, NM_001353063.2 and 13 more transcripts); c.127G>A, p.Asp43Asn (NM_001258029.2); c.100G>A, p.Asp34Asn (NM_001258030.2); c.148G>A, p.Asp50Asn (NM_001353076.2); and 1 more; short protein forms D34N, D37N, D50N, D62N, D26N, D43N, D77N.
Identifiers: ClinVar variation 1445833 (VCV001445833.8), dbSNP rs752677417, ClinGen allele CA5220754.